The following is an entry in ClinVar:

NM_003672.4(CDC14A):c.694del (p.Tyr232fs)

Gene: CDC14A (cell division cycle 14A; plus strand). Cytogenetic location: 1p21.2.
Variant type: Deletion.
Coding change: c.694del on transcript NM_003672.4 (MANE Select); coding-DNA position 694, one base deleted (T; older notation c.694delT).
Protein change: p.Tyr232fs; shifts the reading frame from tyrosine 232.
Molecular consequence: frameshift variant. On other transcripts: 5 prime UTR variant (1).
Genome position (GRCh38, 1-based): chr1:100,462,737, T deleted; the last of 3 consecutive T bases (chr1:100,462,735-100,462,737); deleting any one gives the same sequence. VCF-style (leftmost placement, unchanged base first): chr1-100462734-AT-A. GRCh37 (hg19) VCF-style: chr1-100928290-AT-A.
Other names: c.694del (NM_003672.3); c.694del, p.Tyr232fs (NM_001319210.2, NM_033312.3, NM_033313.3); c.520del, p.Tyr174fs (NM_001319211.2); c.-186del (NM_001319212.2); short protein forms Y174fs, Y232fs.
Identifiers: ClinVar variation 1451885 (VCV001451885.8), dbSNP rs1309255666, ClinGen allele CA525177409.

ClinVar aggregate classification (germline): Conflicting classifications of pathogenicity. Review status: criteria provided, conflicting classifications (1 of 4 stars). 3 submissions from 3 submitters: Pathogenic (1); Likely pathogenic (1); Uncertain significance (1). Last evaluated 2026-04-06.

Conditions:
CDC14A-related disorder. Also called: CDC14A-related condition.

Submissions (3):

GeneDx
Classification: Uncertain significance. Last evaluated: 2026-04-06. Review status: criteria provided, single submitter. Criteria: GeneDx Variant Classification Process June 2021. Collection method: clinical testing. Allele origin: germline.
Comment: Frameshift variant predicted to result in protein truncation or nonsense mediated decay in a gene for which loss of function is a known mechanism of disease; Has not been previously published as pathogenic or benign to our knowledge

PreventionGenetics, part of Exact Sciences
Classification: Likely pathogenic for CDC14A-related condition. Last evaluated: 2026-03-31. Review status: criteria provided, single submitter. Criteria: ACMG Guidelines, 2015. Collection method: clinical testing. Allele origin: germline.
Comment: The CDC14A c.694delT variant is predicted to result in a frameshift and premature protein termination (p.Tyr232Metfs*19). To our knowledge, this variant has not been reported in the literature. This variant is reported in 0.0087% of alleles in individuals of Latino descent in gnomAD. Frameshift variants in CDC14A are expected to be pathogenic. This variant is interpreted as likely pathogenic.

Labcorp Genetics (formerly Invitae), Labcorp
Classification: Pathogenic. Last evaluated: 2023-10-03. Review status: criteria provided, single submitter. Criteria: Invitae Variant Classification Sherloc (09022015). Collection method: clinical testing. Allele origin: germline.
Comment: This sequence change creates a premature translational stop signal (p.Tyr232Metfs*19) in the CDC14A gene. It is expected to result in an absent or disrupted protein product. Loss-of-function variants in CDC14A are known to be pathogenic (PMID: 27259055). This variant is present in population databases (no rsID available, gnomAD 0.009%). This variant has not been reported in the literature in individuals affected with CDC14A-related conditions. ClinVar contains an entry for this variant (Variation ID: 1451885). For these reasons, this variant has been classified as Pathogenic.

Literature cited by the submitters: PubMed 27259055 (cited by Labcorp Genetics (formerly Invitae), Labcorp).